The following is an entry in ClinVar:

NM_021830.5(TWNK):c.479G>A (p.Arg160Gln)

Gene: TWNK (twinkle mtDNA helicase; plus strand). Cytogenetic location: 10q24.31.
Variant type: single nucleotide variant.
Coding change: c.479G>A on transcript NM_021830.5 (MANE Select); coding-DNA position 479, G replaced by A.
Protein change: p.Arg160Gln; replaces arginine 160 with glutamine.
Molecular consequence: missense variant. On other transcripts: non-coding transcript variant (4), intron variant (3).
Genome position (GRCh38, 1-based): chr10:100,988,689, G>A. VCF-style: chr10-100988689-G-A. GRCh37 (hg19) VCF-style: chr10-102748446-G-A.
Other names: c.479G>A, p.Arg160Gln (NM_001163812.2); c.-119-955G>A (NM_001163814.2, NM_001163813.2); c.-57-1017G>A (NM_001368275.1); short protein forms R160Q.
Identifiers: ClinVar variation 2989476 (VCV002989476.3), dbSNP rs759176256, ClinGen allele CA5653068.
Genomic context (GRCh38, chr10:100,988,689, plus strand): 5'-TTCTGCTTAGCAAGGCACCAGAATTTGAGGACAGCGAGGAGGTCCGGAGGATCTGGAACC[G>A]AGCAATACCTCTCTGGGAGCTGCCTGATCAGGAGGAGGTTCAGCTGGCTGATACAATGTT-3'
Protein context (NP_068602.2, residues 150-170): DSEEVRRIWN[Arg160Gln]AIPLWELPDQ

ClinVar aggregate classification (germline): Uncertain significance (1 of 4 stars; one submission).

Allele frequency attached by ClinVar (database versions not stated): TOPMed below 0.00001; ExAC 0.00001; gnomAD 0.00001; gnomAD exomes 0.00001.
gnomAD v4.1: 17 of 1,614,006 alleles (0.0011%); highest among the groups gnomAD compares: Non-Finnish European, 0.0014%; no homozygotes.

Submission:

Labcorp Genetics (formerly Invitae), Labcorp
Classification: Uncertain significance. Last evaluated: 2023-05-23. Review status: criteria provided, single submitter. Criteria: Invitae Variant Classification Sherloc (09022015). Collection method: clinical testing. Allele origin: germline.
Comment: This sequence change replaces arginine, which is basic and polar, with glutamine, which is neutral and polar, at codon 160 of the TWNK protein (p.Arg160Gln). This variant is present in population databases (rs759176256, gnomAD 0.002%). In summary, the available evidence is currently insufficient to determine the role of this variant in disease. Therefore, it has been classified as a Variant of Uncertain Significance. This variant has not been reported in the literature in individuals affected with TWNK-related conditions. Advanced modeling of protein sequence and biophysical properties (such as structural, functional, and spatial information, amino acid conservation, physicochemical variation, residue mobility, and thermodynamic stability) has been performed at Invitae for this missense variant, however the output from this modeling did not meet the statistical confidence thresholds required to predict the impact of this variant on TWNK protein function.